The following is an entry in ClinVar:

ClinVar aggregate classification (germline): Uncertain significance. Review status: criteria provided, multiple submitters, no conflicts (2 of 4 stars). 2 submissions from 2 submitters: Uncertain significance (2). Last evaluated 2024-02-24.

Conditions:
Intellectual developmental disorder, autosomal recessive 37. Also called: Intellectual disability-hypotonia-spasticity-sleep disorder syndrome. Identifiers: Orphanet 356996, MedGen C3809672, MONDO:0014210, OMIM 615493.

Submissions (2):

Labcorp Genetics (formerly Invitae), Labcorp
Classification: Uncertain significance. Last evaluated: 2024-02-24. Review status: criteria provided, single submitter. Criteria: Invitae Variant Classification Sherloc (09022015). Collection method: clinical testing. Allele origin: germline.
Comment: This variant, c.6681_6683del, results in the deletion of 1 amino acid(s) of the ANK3 protein (p.Glu2227del), but otherwise preserves the integrity of the reading frame. This variant is present in population databases (rs753100931, gnomAD 0.01%). This variant has not been reported in the literature in individuals affected with ANK3-related conditions. Experimental studies and prediction algorithms are not available or were not evaluated, and the functional significance of this variant is currently unknown. In summary, the available evidence is currently insufficient to determine the role of this variant in disease. Therefore, it has been classified as a Variant of Uncertain Significance.

Daryl Scott Lab, Baylor College of Medicine
Classification: Uncertain significance for Intellectual developmental disorder, autosomal recessive 37. Review status: criteria provided, single submitter. Criteria: ACMG Guidelines, 2015. Collection method: clinical testing. Allele origin: unknown. Affected: yes. Observed: 1 compound heterozygote.
Comment: PM2

NM_020987.5(ANK3):c.6678AGA[1] (p.Glu2227del)

Gene: ANK3 (ankyrin 3; minus strand). Cytogenetic location: 10q21.2.
Variant type: Microsatellite.
Coding change: c.6678AGA[1] on transcript NM_020987.5 (MANE Select); one copy of the 3-base unit AGA starting at c.6678; the reference has two copies in a row; one copy, 3 bases deleted; also written c.6681_6683del.
Protein change: p.Glu2227del; deletes glutamic acid 2227.
Molecular consequence: inframe deletion. On other transcripts: intron variant (4).
Genome position (GRCh38, 1-based): chr10:60,074,198-60,074,200, TCT deleted on the plus strand (AGA on the coding strand, the reverse complement: ANK3 is on the minus strand); deleting any 3 consecutive bases within chr10:60,074,198-60,074,205 gives the same sequence; the position shown is the placement nearest the transcript's 3' end. VCF-style (leftmost placement, unchanged base first): chr10-60074197-ATCT-A. GRCh37 (hg19) VCF-style: chr10-61833955-ATCT-A.
Other names: c.4388-6191_4388-6189del (NM_001204403.2); c.4409-6191_4409-6189del (NM_001204404.2); c.4406-6191_4406-6189del (NM_001320874.2); c.1808-6191_1808-6189del (NM_001149.4); c.6681_6683del (NM_020987.5); short protein forms E2227del.
Identifiers: ClinVar variation 1397369 (VCV001397369.7), dbSNP rs753100931, ClinGen allele CA5511837.